The following is an entry in ClinVar:

ClinVar aggregate classification (germline): Uncertain significance. Review status: criteria provided, multiple submitters, no conflicts (2 of 4 stars). 2 submissions from 2 submitters: Uncertain significance (2). Last evaluated 2024-10-02.

Conditions:
Familial thoracic aortic aneurysm and aortic dissection (TAAD). Also called: Thoracic aortic aneurysms and dissections. Identifiers: Orphanet 91387, MedGen C4707243, MONDO:0019625.

Allele frequency attached by ClinVar (database versions not stated): gnomAD exomes below 0.00001.
gnomAD v4.1: 1 of 1,613,594 alleles (0.000062%); highest among the groups gnomAD compares: Non-Finnish European, 0.000085%; no homozygotes.

Submissions (2):

GeneDx
Classification: Uncertain significance. Last evaluated: 2024-10-02. Review status: criteria provided, single submitter. Criteria: GeneDx Variant Classification Process June 2021. Collection method: clinical testing. Allele origin: germline. Affected: yes.
Comment: Has not been previously published as pathogenic or benign to our knowledge; Not observed at significant frequency in large population cohorts (gnomAD); In silico analysis indicates that this missense variant does not alter protein structure/function; Not located in the triple helical region, where the majority of pathogenic missense variants occur (PMID: 22696272; HGMD); This variant is associated with the following publications: (PMID: 22696272)

Ambry Genetics
Classification: Uncertain significance for Familial thoracic aortic aneurysm and aortic dissection. Last evaluated: 2024-07-02. Review status: criteria provided, single submitter. Criteria: Ambry Variant Classification Scheme 2023. Collection method: clinical testing. Allele origin: germline.
Comment: The p.Q1748R variant (also known as c.5243A>G), located in coding exon 65 of the COL5A1 gene, results from an A to G substitution at nucleotide position 5243. The glutamine at codon 1748 is replaced by arginine, an amino acid with highly similar properties. This amino acid position is highly conserved in available vertebrate species. In addition, this alteration is predicted to be tolerated by in silico analysis. Based on the available evidence, the clinical significance of this variant remains unclear.

NM_000093.5(COL5A1):c.5243A>G (p.Gln1748Arg)

Genes: COL5A1 (collagen type V alpha 1 chain; plus strand), LOC101448202 (uncharacterized LOC101448202; minus strand). Cytogenetic location: 9q34.3.
Variant type: single nucleotide variant.
Coding change: c.5243A>G on transcript NM_000093.5 (MANE Select); coding-DNA position 5243, A replaced by G.
Protein change: p.Gln1748Arg; replaces glutamine 1748 with arginine.
Molecular consequence: missense variant.
Genome position (GRCh38, 1-based): chr9:134,835,077, A>G. VCF-style: chr9-134835077-A-G. GRCh37 (hg19) VCF-style: chr9-137726923-A-G.
Other names: c.5243A>G, p.Gln1748Arg (NM_001278074.1); short protein forms Q1748R.
Identifiers: ClinVar variation 1700329 (VCV001700329.6), dbSNP rs2132925725, ClinGen allele CA375460548.
Genomic context (GRCh38, chr9:134,835,077, plus strand): 5'-TGACCTTCCTGCGGCTGCTGAGCGCCTCTGCCCACCAGAACGTCACCTACCACTGCTACC[A>G]GTCAGTGGCCTGGCAGGACGCAGCCACGGGCAGCTACGACAAGGCCCTCCGCTTCCTGGG-3'
Protein context (NP_000084.3, residues 1738-1758): AHQNVTYHCY[Gln1748Arg]SVAWQDAATG